The following is an entry in ClinVar:

NM_007194.4(CHEK2):c.299A>C (p.Gln100Pro)

Gene: CHEK2 (checkpoint kinase 2; minus strand). Cytogenetic location: 22q12.1.
Variant type: single nucleotide variant.
Coding change: c.299A>C on transcript NM_007194.4 (MANE Select); coding-DNA position 299, A replaced by C.
Protein change: p.Gln100Pro; replaces glutamine 100 with proline.
Molecular consequence: missense variant.
Genome position (GRCh38, 1-based): chr22:28,734,423, T>G on the plus strand (A>C on the coding strand, the complement: CHEK2 is on the minus strand). VCF-style: chr22-28734423-T-G. GRCh37 (hg19) VCF-style: chr22-29130411-T-G.
Other names: c.299A>C, p.Gln100Pro (NM_001005735.3, NM_001349956.3, NM_145862.3); c.-479A>C (NM_001257387.3); short protein forms Q100P.
Identifiers: ClinVar variation 1798603 (VCV001798603.2), dbSNP rs1601851194, ClinGen allele CA411090275.

ClinVar aggregate classification (germline): Uncertain significance (1 of 4 stars; one submission).

Conditions:
Hereditary cancer-predisposing syndrome. Also called: Neoplastic Syndromes, Hereditary; Tumor predisposition; Hereditary Cancer Syndrome; Hereditary neoplastic syndrome. Identifiers: Orphanet 140162, MedGen C0027672, MeSH D009386, MONDO:0015356.

Submission:

Ambry Genetics
Classification: Uncertain significance for Hereditary cancer-predisposing syndrome. Last evaluated: 2022-04-24. Review status: criteria provided, single submitter. Criteria: Ambry Variant Classification Scheme 2023. Collection method: clinical testing. Allele origin: germline.
Comment: The p.Q100P variant (also known as c.299A>C), located in coding exon 1 of the CHEK2 gene, results from an A to C substitution at nucleotide position 299. The glutamine at codon 100 is replaced by proline, an amino acid with similar properties. This amino acid position is conserved. In addition, the in silico prediction for this alteration is inconclusive. Since supporting evidence is limited at this time, the clinical significance of this alteration remains unclear.